The following is an entry in ClinVar:

NM_007363.5(NONO):c.1133G>C (p.Arg378Thr)

Gene: NONO (non-POU domain containing octamer binding; plus strand). Cytogenetic location: Xq13.1.
Variant type: single nucleotide variant.
Coding change: c.1133G>C on transcript NM_007363.5 (MANE Select); coding-DNA position 1133, G replaced by C.
Protein change: p.Arg378Thr; replaces arginine 378 with threonine.
Molecular consequence: missense variant.
Genome position (GRCh38, 1-based): chrX:71,298,470, G>C. VCF-style: chrX-71298470-G-C. GRCh37 (hg19) VCF-style: chrX-70518320-G-C.
Other names: c.1133G>C, p.Arg378Thr (NM_001145408.2, NM_001145409.2); c.866G>C, p.Arg289Thr (NM_001145410.2); short protein forms R289T, R378T.
Identifiers: ClinVar variation 3603148 (VCV003603148.1).
Genomic context (GRCh38, chrX:71,298,470, plus strand): 5'-TGGATTGTGGTAGAATGCACTGCTGTCTTGGACTGTCTTGAGTATTTTTTGTTTTTCAGA[G>C]AGAGCAGGAGATTCGGATGGGTCAGATGGCTATGGGAGGTAAGGACTTAGGAGGTTAATG-3'
Protein context (NP_031389.3, residues 368-388): EGFKGTFPDA[Arg378Thr]EQEIRMGQMA

ClinVar aggregate classification (germline): Uncertain significance (1 of 4 stars; one submission).

Submission:

GeneDx
Classification: Uncertain significance. Last evaluated: 2024-08-07. Review status: criteria provided, single submitter. Criteria: GeneDx Variant Classification Process June 2021. Collection method: clinical testing. Allele origin: germline. Affected: yes.
Comment: Not observed at significant frequency in large population cohorts (gnomAD); In silico analysis supports that this missense variant has a deleterious effect on protein structure/function; In silico analysis supports a deleterious effect on splicing; Has not been previously published as pathogenic or benign to our knowledge